The following is an entry in ClinVar:

ClinVar aggregate classification (germline): Uncertain significance. Review status: criteria provided, multiple submitters, no conflicts (2 of 4 stars). 2 submissions from 2 submitters: Uncertain significance (2). Last evaluated 2025-12-16.

Conditions:
Developmental delay and seizures with or without movement abnormalities. Identifiers: MedGen C4693376, MONDO:0044326, OMIM 617836.
Retinitis pigmentosa 59 (RP59). Identifiers: Orphanet 791, MedGen C3151227, MONDO:0013468, OMIM 613861.

Allele frequency attached by ClinVar (database versions not stated): gnomAD 0.00001; gnomAD exomes 0.00001 and 0.00002; ExAC 0.00002; TOPMed 0.00002.

Submissions (2):

Labcorp Genetics (formerly Invitae), Labcorp
Classification: Uncertain significance for Retinitis pigmentosa 59. Last evaluated: 2025-12-16. Review status: criteria provided, single submitter. Criteria: Invitae Variant Classification Sherloc (09022015). Collection method: clinical testing. Allele origin: germline.
Comment: This sequence change replaces lysine, which is basic and polar, with arginine, which is basic and polar, at codon 147 of the DHDDS protein (p.Lys147Arg). This variant is present in population databases (rs201280820, gnomAD 0.006%). This variant has not been reported in the literature in individuals affected with DHDDS-related conditions. ClinVar contains an entry for this variant (Variation ID: 1405419). An algorithm developed to predict the effect of missense changes on protein structure and function outputs the following: PolyPhen-2: "Benign". The arginine amino acid residue is found in multiple mammalian species, which suggests that this missense change does not adversely affect protein function. In summary, the available evidence is currently insufficient to determine the role of this variant in disease. Therefore, it has been classified as a Variant of Uncertain Significance.

Fulgent Genetics
Classification: Uncertain significance for Retinitis pigmentosa 59; Developmental delay and seizures with or without movement abnormalities. Last evaluated: 2022-03-30. Review status: criteria provided, single submitter. Criteria: ACMG Guidelines, 2015. Collection method: clinical testing. Allele origin: unknown.

NM_205861.3(DHDDS):c.440A>G (p.Lys147Arg)

Gene: DHDDS (dehydrodolichyl diphosphate synthase subunit; plus strand). Cytogenetic location: 1p36.11.
Variant type: single nucleotide variant.
Coding change: c.440A>G on transcript NM_205861.3 (MANE Select); coding-DNA position 440, A replaced by G.
Protein change: p.Lys147Arg; replaces lysine 147 with arginine.
Molecular consequence: missense variant. On other transcripts: intron variant (1).
Genome position (GRCh38, 1-based): chr1:26,446,432, A>G. VCF-style: chr1-26446432-A-G. GRCh37 (hg19) VCF-style: chr1-26772923-A-G.
Other names: c.440A>G, p.Asn147Ser (NM_001243564.2); c.161A>G, p.Lys54Arg (NM_001319959.2); c.440A>G, p.Lys147Arg (NM_024887.4); c.324-1127A>G (NM_001243565.2); short protein forms K147R, K54R, N147S.
Identifiers: ClinVar variation 1405419 (VCV001405419.6), dbSNP rs201280820, ClinGen allele CA705334.